The following is an entry in ClinVar:

ClinVar aggregate classification (germline): Uncertain significance (1 of 4 stars; one submission).

Conditions:
Renal cell carcinoma. Identifiers: Orphanet 217071, MedGen C0007134, MeSH D002292, MONDO:0005086, HP:0005584.

Submission:

Labcorp Genetics (formerly Invitae), Labcorp
Classification: Uncertain significance for Renal cell carcinoma. Last evaluated: 2022-07-14. Review status: criteria provided, single submitter. Criteria: Invitae Variant Classification Sherloc (09022015). Collection method: clinical testing. Allele origin: germline.
Comment: This sequence change replaces valine, which is neutral and non-polar, with leucine, which is neutral and non-polar, at codon 1255 of the MET protein (p.Val1255Leu). This variant is not present in population databases (gnomAD no frequency). This variant has not been reported in the literature in individuals affected with MET-related conditions. Advanced modeling of protein sequence and biophysical properties (such as structural, functional, and spatial information, amino acid conservation, physicochemical variation, residue mobility, and thermodynamic stability) performed at Invitae indicates that this missense variant is expected to disrupt MET protein function. In summary, the available evidence is currently insufficient to determine the role of this variant in disease. Therefore, it has been classified as a Variant of Uncertain Significance.

NM_000245.4(MET):c.3709G>T (p.Val1237Leu)

Gene: MET (MET proto-oncogene, receptor tyrosine kinase; plus strand). Cytogenetic location: 7q31.2.
Variant type: single nucleotide variant.
Coding change: c.3709G>T on transcript NM_000245.4 (MANE Select); coding-DNA position 3709, G replaced by T.
Protein change: p.Val1237Leu; replaces valine 1237 with leucine.
Molecular consequence: missense variant.
Genome position (GRCh38, 1-based): chr7:116,783,380, G>T. VCF-style: chr7-116783380-G-T. GRCh37 (hg19) VCF-style: chr7-116423434-G-T.
Other names: c.3763G>T, p.Val1255Leu (NM_001127500.3); c.2419G>T, p.Val807Leu (NM_001324402.2); short protein forms V807L, V1237L, V1255L.
Identifiers: ClinVar variation 2016999 (VCV002016999.4), dbSNP rs1031263507, ClinGen allele CA368991684.
Genomic context (GRCh38, chr7:116,783,380, plus strand): 5'-ACAGTCAAGGTTGCTGATTTTGGTCTTGCCAGAGACATGTATGATAAAGAATACTATAGT[G>T]TACACAACAAAACAGGTGCAAAGCTGCCAGTGAAGTGGATGGCTTTGGAAAGTCTGCAAA-3'
Protein context (NP_000236.2, residues 1227-1247): RDMYDKEYYS[Val1237Leu]HNKTGAKLPV